The following is an entry in ClinVar:

NM_005732.4(RAD50):c.2707del (p.Arg903fs)

Gene: RAD50 (RAD50 double strand break repair protein; plus strand). Cytogenetic location: 5q31.1.
Variant type: Deletion.
Coding change: c.2707del on transcript NM_005732.4 (MANE Select); coding-DNA position 2707, one base deleted (A; older notation c.2707delA).
Protein change: p.Arg903fs; shifts the reading frame from arginine 903.
Molecular consequence: frameshift variant.
Genome position (GRCh38, 1-based): chr5:132,604,988, A deleted. VCF-style (leftmost placement, unchanged base first): chr5-132604987-CA-C. GRCh37 (hg19) VCF-style: chr5-131940679-CA-C.
Other names: c.2707del (NM_005732.3); short protein forms R903fs.
Identifiers: ClinVar variation 216096 (VCV000216096.10), dbSNP rs863224509, ClinGen allele CA336732.

ClinVar aggregate classification (germline): Pathogenic. Review status: criteria provided, multiple submitters, no conflicts (2 of 4 stars). 2 submissions from 2 submitters: Pathogenic (2). Last evaluated 2024-08-07.

Conditions:
Hereditary cancer-predisposing syndrome. Also called: Hereditary Cancer Syndrome; Hereditary neoplastic syndrome; Neoplastic Syndromes, Hereditary; Tumor predisposition. Identifiers: Orphanet 140162, MedGen C0027672, MeSH D009386, MONDO:0015356.

Allele frequency attached by ClinVar (database versions not stated): gnomAD exomes 0.00001; TOPMed 0.00001.

Submissions (2):

Labcorp Genetics (formerly Invitae), Labcorp
Classification: Pathogenic for Hereditary cancer-predisposing syndrome. Last evaluated: 2024-08-07. Review status: criteria provided, single submitter. Criteria: Invitae Variant Classification Sherloc (09022015). Collection method: clinical testing. Allele origin: germline.
Comment: This sequence change creates a premature translational stop signal (p.Arg903Glufs*3) in the RAD50 gene. It is expected to result in an absent or disrupted protein product. Loss-of-function variants in RAD50 are known to be pathogenic (PMID: 19409520). This variant is not present in population databases (gnomAD no frequency). This variant has not been reported in the literature in individuals affected with RAD50-related conditions. ClinVar contains an entry for this variant (Variation ID: 216096). For these reasons, this variant has been classified as Pathogenic.

Ambry Genetics
Classification: Pathogenic for Hereditary cancer-predisposing syndrome. Last evaluated: 2023-01-03. Review status: criteria provided, single submitter. Criteria: Ambry Variant Classification Scheme 2023. Collection method: clinical testing. Allele origin: germline.
Comment: The c.2707delA pathogenic mutation, located in coding exon 16 of the RAD50 gene, results from a deletion of one nucleotide at nucleotide position 2707, causing a translational frameshift with a predicted alternate stop codon (p.R903Efs*3). This alteration was identified in 1 of 2184 patients with a personal history of breast and/or ovarian cancer who underwent multi-gene panel germline genetic testing (Espinel W et al. Cancers (Basel), 2022 May;14:). This variant is considered to be rare based on population cohorts in the Genome Aggregation Database (gnomAD). In addition to the clinical data presented in the literature, this alteration is expected to result in loss of function by premature protein truncation or nonsense-mediated mRNA decay. As such, this alteration is interpreted as a disease-causing mutation.

Literature cited by the submitters: PubMed 19409520 (cited by Labcorp Genetics (formerly Invitae), Labcorp); PubMed 35626031 (cited by Ambry Genetics).